The following is an entry in ClinVar:

NM_144997.7(FLCN):c.810C>G (p.Thr270=)

Gene: FLCN (folliculin; minus strand). Cytogenetic location: 17p11.2.
Variant type: single nucleotide variant.
Coding change: c.810C>G on transcript NM_144997.7 (MANE Select); coding-DNA position 810, C replaced by G.
Protein change: p.Thr270=; no amino-acid change (threonine 270 retained).
Molecular consequence: synonymous variant.
Genome position (GRCh38, 1-based): chr17:17,221,598, G>C on the plus strand (C>G on the coding strand, the complement: FLCN is on the minus strand). VCF-style: chr17-17221598-G-C. GRCh37 (hg19) VCF-style: chr17-17124912-G-C.
Other names: c.810C>G (LRG_325t1); c.864C>G, p.Thr288= (NM_001353229.2); c.810C>G, p.Thr270= (NM_001353230.2, NM_001353231.2, NM_144606.7).
Identifiers: ClinVar variation 530014 (VCV000530014.13), dbSNP rs372342796, ClinGen allele CA8416285.

ClinVar aggregate classification (germline): Benign/Likely benign. Review status: criteria provided, multiple submitters, no conflicts (2 of 4 stars). 3 submissions from 3 submitters: Benign (1); Likely benign (2). Last evaluated 2026-01-04.

Conditions:
Birt-Hogg-Dube syndrome 1 (BHD1). Also called: FIBROFOLLICULOMAS WITH TRICHODISCOMAS AND ACROCHORDONS. Identifiers: Orphanet 122, MedGen CN375946, MONDO:0800445, OMIM 135150.
Hereditary cancer-predisposing syndrome. Also called: Neoplastic Syndromes, Hereditary; Hereditary neoplastic syndrome; Tumor predisposition; Hereditary Cancer Syndrome. Identifiers: Orphanet 140162, MedGen C0027672, MeSH D009386, MONDO:0015356.
Birt-Hogg-Dube syndrome. Also called: Birt Hogg Dubé syndrome. Identifiers: Orphanet 122, MedGen C0346010, MONDO:0800444.

gnomAD v4.1: 6 of 1,610,028 alleles (0.00037%); highest among the groups gnomAD compares: South Asian, 0.0066%; no homozygotes.

Submissions (3):

Labcorp Genetics (formerly Invitae), Labcorp
Classification: Likely benign for Birt-Hogg-Dube syndrome. Last evaluated: 2026-01-04. Review status: criteria provided, single submitter. Criteria: Invitae Variant Classification Sherloc (09022015). Collection method: clinical testing. Allele origin: germline.

Myriad Genetics, Inc.
Classification: Benign for Birt-Hogg-Dube syndrome 1. Last evaluated: 2024-10-23. Review status: criteria provided, single submitter. Criteria: Myriad Autosomal Dominant, Autosomal Recessive and X-Linked Classification Criteria (2023). Collection method: clinical testing. Allele origin: unknown.
Comment: This variant is considered benign. This variant is a silent/synonymous amino acid change and it is not expected to impact splicing.

Ambry Genetics
Classification: Likely benign for Hereditary cancer-predisposing syndrome. Last evaluated: 2020-08-11. Review status: criteria provided, single submitter. Criteria: Ambry Variant Classification Scheme 2023. Collection method: clinical testing. Allele origin: germline.